The following is an entry in ClinVar:

ClinVar aggregate classification (germline): Uncertain significance (1 of 4 stars; one submission).

Conditions:
Charcot-Marie-Tooth disease type 2R. Also called: CHARCOT-MARIE-TOOTH NEUROPATHY, TYPE 2R; Charcot-Marie-Tooth disease, axonal, type 2R; CHARCOT-MARIE-TOOTH DISEASE, AXONAL, AUTOSOMAL RECESSIVE, TYPE 2R. Identifiers: Orphanet 397968, MedGen C3809655, MONDO:0014208, OMIM 615490.

Submission:

Labcorp Genetics (formerly Invitae), Labcorp
Classification: Uncertain significance for Charcot-Marie-Tooth disease type 2R. Last evaluated: 2024-07-23. Review status: criteria provided, single submitter. Criteria: Invitae Variant Classification Sherloc (09022015). Collection method: clinical testing. Allele origin: germline.
Comment: This sequence change falls in intron 6 of the TRIM2 gene. It does not directly change the encoded amino acid sequence of the TRIM2 protein. It affects a nucleotide within the consensus splice site. This variant is not present in population databases (gnomAD no frequency). This variant has not been reported in the literature in individuals affected with TRIM2-related conditions. Variants that disrupt the consensus splice site are a relatively common cause of aberrant splicing (PMID: 17576681, 9536098). Algorithms developed to predict the effect of sequence changes on RNA splicing suggest that this variant may disrupt the consensus splice site. In summary, the available evidence is currently insufficient to determine the role of this variant in disease. Therefore, it has been classified as a Variant of Uncertain Significance.

Literature cited by the submitters: PubMed 17576681; PubMed 9536098.

NM_015271.5(TRIM2):c.1510+3A>T

Gene: TRIM2 (tripartite motif containing 2; plus strand). Cytogenetic location: 4q31.3.
Variant type: single nucleotide variant.
Coding change: c.1510+3A>T on transcript NM_015271.5 (MANE Select); 3 bases into the intron after coding-DNA position 1510, A replaced by T.
Molecular consequence: intron variant.
Genome position (GRCh38, 1-based): chr4:153,296,039, A>T. VCF-style: chr4-153296039-A-T. GRCh37 (hg19) VCF-style: chr4-154217191-A-T.
Other names: c.1429+3A>T (NM_001375517.1, NM_001375514.1, NM_001351056.2 and 5 more transcripts); c.1171+3A>T (NM_001375525.1, NM_001375523.1, NM_001375522.1); c.1054+3A>T (NM_001351057.2); c.1603+3A>T (NM_001375488.1); c.1453+3A>T (NM_001375490.1); c.1177+3A>T (NM_001375519.1); c.1600+3A>T (NM_001375489.1); c.1450+3A>T (NM_001375491.1); and 3 more.
Identifiers: ClinVar variation 3660309 (VCV003660309.2).